The following is an entry in ClinVar:

ClinVar aggregate classification (germline): Uncertain significance (1 of 4 stars; one submission).

Allele frequency attached by ClinVar (database versions not stated): ExAC 0.00002; TOPMed 0.00002.
gnomAD v4.1: 13 of 1,606,828 alleles (0.00081%); highest among the groups gnomAD compares: Admixed American, 0.012%; no homozygotes.

Submission:

GeneDx
Classification: Uncertain significance. Last evaluated: 2024-12-12. Review status: criteria provided, single submitter. Criteria: GeneDx Variant Classification Process June 2021. Collection method: clinical testing. Allele origin: germline. Affected: yes.
Comment: In silico analysis indicates that this missense variant does not alter protein structure/function; Has not been previously published as pathogenic or benign to our knowledge

NM_002662.5(PLD1):c.2978G>A (p.Arg993Gln)

Gene: PLD1 (phospholipase D1; minus strand). Cytogenetic location: 3q26.31.
Variant type: single nucleotide variant.
Coding change: c.2978G>A on transcript NM_002662.5 (MANE Select); coding-DNA position 2978, G replaced by A.
Protein change: p.Arg993Gln; replaces arginine 993 with glutamine.
Molecular consequence: missense variant.
Genome position (GRCh38, 1-based): chr3:171,605,321, C>T on the plus strand (G>A on the coding strand, the complement: PLD1 is on the minus strand). VCF-style: chr3-171605321-C-T. GRCh37 (hg19) VCF-style: chr3-171323111-C-T.
Other names: c.2864G>A, p.Arg955Gln (NM_001130081.3); short protein forms R955Q, R993Q.
Identifiers: ClinVar variation 1707078 (VCV001707078.3), dbSNP rs777294540, ClinGen allele CA2704056.